The following is an entry in ClinVar:

NM_001364905.1(LRBA):c.411G>A (p.Val137=)

Gene: LRBA (LPS responsive beige-like anchor protein; minus strand). Cytogenetic location: 4q31.3.
Variant type: single nucleotide variant.
Coding change: c.411G>A on transcript NM_001364905.1 (MANE Select); coding-DNA position 411, G replaced by A.
Protein change: p.Val137=; no amino-acid change (valine 137 retained).
Molecular consequence: synonymous variant.
Genome position (GRCh38, 1-based): chr4:150,928,871, C>T on the plus strand (G>A on the coding strand, the complement: LRBA is on the minus strand). VCF-style: chr4-150928871-C-T. GRCh37 (hg19) VCF-style: chr4-151850023-C-T.
Other names: p.Val137=; c.411G>A, p.Val137= (NM_001199282.3, NM_001367550.1, NM_001440430.1 and 2 more transcripts).
Identifiers: ClinVar variation 4684811 (VCV004684811.1).

ClinVar aggregate classification (germline): Likely benign (1 of 4 stars; one submission).

Submission:

Mayo Clinic Laboratories, Mayo Clinic
Classification: Likely benign. Last evaluated: 2025-09-01. Review status: criteria provided, single submitter. Criteria: ACMG Guidelines, 2015. Collection method: clinical testing. Allele origin: germline. Observed: 1 variant allele.
Comment: BP4, BP7, PM2_supporting